The following is an entry in ClinVar:

ClinVar aggregate classification (germline): Uncertain significance. Review status: criteria provided, multiple submitters, no conflicts (2 of 4 stars). 2 submissions from 2 submitters: Uncertain significance (2). Last evaluated 2023-08-29.

Conditions:
Dyskeratosis congenita. Identifiers: Orphanet 1775, MedGen C0265965, MONDO:0015780.
Idiopathic Pulmonary Fibrosis. Also called: Idiopathic fibrosing alveolitis, chronic form; idiopathic fibrosing alveolitis. Identifiers: Orphanet 2032, MedGen C1800706, MeSH D054990, MONDO:0800504.
Dyskeratosis congenita, autosomal dominant 2. Identifiers: MedGen C3151443, MONDO:0013521, OMIM 613989.

Submissions (2):

Labcorp Genetics (formerly Invitae), Labcorp
Classification: Uncertain significance for Dyskeratosis congenita, autosomal dominant 2; Idiopathic Pulmonary Fibrosis. Last evaluated: 2023-08-29. Review status: criteria provided, single submitter. Criteria: Invitae Variant Classification Sherloc (09022015). Collection method: clinical testing. Allele origin: germline.
Comment: In summary, the available evidence is currently insufficient to determine the role of this variant in disease. Therefore, it has been classified as a Variant of Uncertain Significance. An algorithm developed to predict the effect of missense changes on protein structure and function (PolyPhen-2) suggests that this variant is likely to be disruptive. This variant has not been reported in the literature in individuals affected with TERT-related conditions. This variant is not present in population databases (gnomAD no frequency). This sequence change replaces proline, which is neutral and non-polar, with glutamine, which is neutral and polar, at codon 524 of the TERT protein (p.Pro524Gln).

Ambry Genetics
Classification: Uncertain significance for Dyskeratosis congenita. Last evaluated: 2023-07-03. Review status: criteria provided, single submitter. Criteria: Ambry Variant Classification Scheme 2023. Collection method: clinical testing. Allele origin: germline.
Comment: The p.P524Q variant (also known as c.1571C>A), located in coding exon 2 of the TERT gene, results from a C to A substitution at nucleotide position 1571. The proline at codon 524 is replaced by glutamine, an amino acid with similar properties. This amino acid position is conserved. In addition, the in silico prediction for this alteration is inconclusive. Since supporting evidence is limited at this time, the clinical significance of this alteration remains unclear.

NM_198253.3(TERT):c.1571C>A (p.Pro524Gln)

Gene: TERT (telomerase reverse transcriptase; minus strand). Cytogenetic location: 5p15.33.
Variant type: single nucleotide variant.
Coding change: c.1571C>A on transcript NM_198253.3 (MANE Select); coding-DNA position 1571, C replaced by A.
Protein change: p.Pro524Gln; replaces proline 524 with glutamine.
Molecular consequence: missense variant. On other transcripts: non-coding transcript variant (2).
Genome position (GRCh38, 1-based): chr5:1,293,315, G>T on the plus strand (C>A on the coding strand, the complement: TERT is on the minus strand). VCF-style: chr5-1293315-G-T. GRCh37 (hg19) VCF-style: chr5-1293430-G-T.
Other names: c.1571C>A, p.Pro524Gln (NM_001193376.3, NM_003219.1); short protein forms P524Q.
Identifiers: ClinVar variation 2941435 (VCV002941435.4), dbSNP rs2478407444, ClinGen allele CA359085004.